The following is an entry in ClinVar:

ClinVar aggregate classification (germline): Benign. Review status: criteria provided, multiple submitters, no conflicts (2 of 4 stars). 3 submissions from 3 submitters: Benign (2). 1 of the submissions does not count toward it. Last evaluated 2026-02-01.

Conditions:
SLC36A2-related disorder. Also called: SLC36A2-related condition.

Allele frequency attached by ClinVar (database versions not stated): gnomAD 0.00597 and 0.00380; ExAC 0.01372; gnomAD exomes 0.01384 and 0.00483; 1000 Genomes Project 30x 0.02998; 1000 Genomes Project 0.03115; ESP Exome Variant Server 0.00077; TOPMed 0.00587.
gnomAD v4.1: 8,310 of 1,614,010 alleles (0.51%); highest among the groups gnomAD compares: East Asian, 9.9%; 369 homozygotes.

Submissions (3):

Labcorp Genetics (formerly Invitae), Labcorp
Classification: Benign. Last evaluated: 2026-02-01. Review status: criteria provided, single submitter. Criteria: Invitae Variant Classification Sherloc (09022015). Collection method: clinical testing. Allele origin: germline.

GeneDx
Classification: Benign. Last evaluated: 2021-05-05. Review status: criteria provided, single submitter. Criteria: GeneDx Variant Classification Process June 2021. Collection method: clinical testing. Allele origin: germline. Affected: yes.

PreventionGenetics, part of Exact Sciences
Classification: Benign for SLC36A2-related condition. Last evaluated: 2019-09-13. Review status: no assertion criteria provided. Collection method: clinical testing. Allele origin: germline. Not counted in ClinVar's aggregate classification.
Comment: This variant is classified as benign based on ACMG/AMP sequence variant interpretation guidelines (Richards et al. 2015 PMID: 25741868, with internal and published modifications).

NM_181776.3(SLC36A2):c.246G>A (p.Ala82=)

Gene: SLC36A2 (solute carrier family 36 member 2; minus strand). Cytogenetic location: 5q33.1.
Variant type: single nucleotide variant.
Coding change: c.246G>A on transcript NM_181776.3 (MANE Select); coding-DNA position 246, G replaced by A.
Protein change: p.Ala82=; no amino-acid change (alanine 82 retained).
Molecular consequence: synonymous variant.
Genome position (GRCh38, 1-based): chr5:151,344,186, C>T on the plus strand (G>A on the coding strand, the complement: SLC36A2 is on the minus strand). VCF-style: chr5-151344186-C-T. GRCh37 (hg19) VCF-style: chr5-150723747-C-T.
Identifiers: ClinVar variation 1290166 (VCV001290166.8), dbSNP rs77739145, ClinGen allele CA3518983.